The following is an entry in ClinVar:

ClinVar aggregate classification (germline): Uncertain significance (1 of 4 stars; one submission).

Conditions:
Hereditary cancer-predisposing syndrome. Also called: Tumor predisposition; Neoplastic Syndromes, Hereditary; Hereditary Cancer Syndrome; Hereditary neoplastic syndrome. Identifiers: Orphanet 140162, MedGen C0027672, MeSH D009386, MONDO:0015356.

Submission:

Ambry Genetics
Classification: Uncertain significance for Hereditary cancer-predisposing syndrome. Last evaluated: 2022-04-22. Review status: criteria provided, single submitter. Criteria: Ambry Variant Classification Scheme 2023. Collection method: clinical testing. Allele origin: germline.
Comment: The p.R106T variant (also known as c.317G>C), located in coding exon 5 of the MAX gene, results from a G to C substitution at nucleotide position 317. The arginine at codon 106 is replaced by threonine, an amino acid with similar properties. This amino acid position is conserved. In addition, this alteration is predicted to be tolerated by in silico analysis. Since supporting evidence is limited at this time, the clinical significance of this alteration remains unclear.

NM_002382.5(MAX):c.317G>C (p.Arg106Thr)

Gene: MAX (MYC associated transcriptional regulator X; minus strand). Cytogenetic location: 14q23.3.
Variant type: single nucleotide variant.
Coding change: c.317G>C on transcript NM_002382.5 (MANE Select); coding-DNA position 317, G replaced by C.
Protein change: p.Arg106Thr; replaces arginine 106 with threonine.
Molecular consequence: missense variant. On other transcripts: 3 prime UTR variant (1), intron variant (2).
Genome position (GRCh38, 1-based): chr14:65,076,642, C>G on the plus strand (G>C on the coding strand, the complement: MAX is on the minus strand). VCF-style: chr14-65076642-C-G. GRCh37 (hg19) VCF-style: chr14-65543360-C-G.
Other names: c.128G>C, p.Arg43Thr (NM_001320415.2, NM_001407105.1, NM_001407106.1 and 1 more transcripts); c.317G>C, p.Arg106Thr (NM_001407094.1); c.290G>C, p.Arg97Thr (NM_001407095.1, NM_145112.3); c.*90G>C (NM_001407096.1, NM_001407099.1, NM_001407102.1 and 2 more transcripts); c.*106G>C (NM_001407097.1, NM_001407100.1, NM_001407101.1 and 4 more transcripts); c.209G>C, p.Arg70Thr (NM_001407098.1); c.116G>C, p.Arg39Thr (NM_001407111.1, NM_001407112.1); c.144+17066G>C (NM_001271069.2); and 1 more; short protein forms R39T, R97T, R106T, R43T, R70T.
Identifiers: ClinVar variation 1728529 (VCV001728529.2), dbSNP rs949597477, ClinGen allele CA390031947.